The following is an entry in ClinVar:

NM_173500.4(TTBK2):c.3199A>G (p.Ser1067Gly)

Gene: TTBK2 (tau tubulin kinase 2; minus strand). Cytogenetic location: 15q15.2.
Variant type: single nucleotide variant.
Coding change: c.3199A>G on transcript NM_173500.4 (MANE Select); coding-DNA position 3199, A replaced by G.
Protein change: p.Ser1067Gly; replaces serine 1067 with glycine.
Molecular consequence: missense variant.
Genome position (GRCh38, 1-based): chr15:42,752,047, T>C on the plus strand (A>G on the coding strand, the complement: TTBK2 is on the minus strand). VCF-style: chr15-42752047-T-C. GRCh37 (hg19) VCF-style: chr15-43044245-T-C.
Other names: short protein forms S1067G.
Identifiers: ClinVar variation 2067781 (VCV002067781.5), dbSNP rs754664311, ClinGen allele CA7516631.

ClinVar aggregate classification (germline): Uncertain significance. Review status: criteria provided, multiple submitters, no conflicts (2 of 4 stars). 2 submissions from 2 submitters: Uncertain significance (2). Last evaluated 2024-01-29.

Conditions:
Inborn genetic diseases. Identifiers: MedGen C0950123, MeSH D030342.

Allele frequency attached by ClinVar (database versions not stated): gnomAD exomes below 0.00001; TOPMed below 0.00001; ExAC 0.00001.
gnomAD v4.1: 7 of 1,614,228 alleles (0.00043%); highest among the groups gnomAD compares: Middle Eastern, 0.016%; no homozygotes.

Submissions (2):

Ambry Genetics
Classification: Uncertain significance for Inborn genetic diseases. Last evaluated: 2024-01-29. Review status: criteria provided, single submitter. Criteria: Ambry Variant Classification Scheme 2023. Collection method: clinical testing. Allele origin: germline.

Labcorp Genetics (formerly Invitae), Labcorp
Classification: Uncertain significance. Last evaluated: 2023-05-30. Review status: criteria provided, single submitter. Criteria: Invitae Variant Classification Sherloc (09022015). Collection method: clinical testing. Allele origin: germline.
Comment: In summary, the available evidence is currently insufficient to determine the role of this variant in disease. Therefore, it has been classified as a Variant of Uncertain Significance. Algorithms developed to predict the effect of missense changes on protein structure and function output the following: SIFT: "Not Available"; PolyPhen-2: "Benign"; Align-GVGD: "Not Available". The glycine amino acid residue is found in multiple mammalian species, which suggests that this missense change does not adversely affect protein function. ClinVar contains an entry for this variant (Variation ID: 2067781). This variant has not been reported in the literature in individuals affected with TTBK2-related conditions. This variant is present in population databases (rs754664311, gnomAD 0.003%). This sequence change replaces serine, which is neutral and polar, with glycine, which is neutral and non-polar, at codon 1067 of the TTBK2 protein (p.Ser1067Gly).